The following is an entry in ClinVar:

ClinVar aggregate classification (germline): Uncertain significance. Review status: criteria provided, multiple submitters, no conflicts (2 of 4 stars). 2 submissions from 2 submitters: Uncertain significance (2). Last evaluated 2022-07-17.

Conditions:
Inborn genetic diseases. Identifiers: MedGen C0950123, MeSH D030342.

Allele frequency attached by ClinVar (database versions not stated): TOPMed below 0.00001.

Submissions (2):

Labcorp Genetics (formerly Invitae), Labcorp
Classification: Uncertain significance. Last evaluated: 2022-07-17. Review status: criteria provided, single submitter. Criteria: Invitae Variant Classification Sherloc (09022015). Collection method: clinical testing. Allele origin: germline.
Comment: This sequence change replaces threonine, which is neutral and polar, with proline, which is neutral and non-polar, at codon 334 of the TTLL5 protein (p.Thr334Pro). This variant is not present in population databases (gnomAD no frequency). This variant has not been reported in the literature in individuals affected with TTLL5-related conditions. ClinVar contains an entry for this variant (Variation ID: 1461707). Algorithms developed to predict the effect of missense changes on protein structure and function are either unavailable or do not agree on the potential impact of this missense change (SIFT: "Deleterious"; PolyPhen-2: "Benign"; Align-GVGD: "Class C0"). In summary, the available evidence is currently insufficient to determine the role of this variant in disease. Therefore, it has been classified as a Variant of Uncertain Significance.

Ambry Genetics
Classification: Uncertain significance for Inborn genetic diseases. Last evaluated: 2021-11-12. Review status: criteria provided, single submitter. Criteria: Ambry Variant Classification Scheme 2023. Collection method: clinical testing. Allele origin: germline.

NM_015072.5(TTLL5):c.1000A>C (p.Thr334Pro)

Gene: TTLL5 (tubulin tyrosine ligase like 5; plus strand). Cytogenetic location: 14q24.3.
Variant type: single nucleotide variant.
Coding change: c.1000A>C on transcript NM_015072.5 (MANE Select); coding-DNA position 1000, A replaced by C.
Protein change: p.Thr334Pro; replaces threonine 334 with proline.
Molecular consequence: missense variant.
Genome position (GRCh38, 1-based): chr14:75,720,661, A>C. VCF-style: chr14-75720661-A-C. GRCh37 (hg19) VCF-style: chr14-76187004-A-C.
Other names: c.1000A>C (NM_015072.4); short protein forms T334P.
Identifiers: ClinVar variation 1461707 (VCV001461707.6), dbSNP rs1340502181, ClinGen allele CA390458797.
Genomic context (GRCh38, chr14:75,720,661, plus strand): 5'-ATGGCCCATGTAGAAGACCTGATCATTAAGACTATAATCTCTGCTGAACTAGCTATTGCT[A>C]CTGCCTGTAAAACCTTTGTTCCTCATCGCAGCAGTTGTTTTGGTAAGGAGACTCAAGAAG-3'
Protein context (NP_055887.3, residues 324-344): TIISAELAIA[Thr334Pro]ACKTFVPHRS